The following is an entry in ClinVar:

ClinVar aggregate classification (germline): Likely benign. Review status: criteria provided, multiple submitters, no conflicts (2 of 4 stars). 3 submissions from 3 submitters: Likely benign (2). 1 of the submissions does not count toward it. Last evaluated 2026-01-11.

Conditions:
Multiple endocrine neoplasia, type 1 (MEN1). Also called: Endocrine adenomatosis multiple; MEN 1; MEA I; MEN I; WERMER SYNDROME. Identifiers: Orphanet 652, MedGen C0025267, MeSH D018761, MONDO:0007540, OMIM 131100.

Allele frequency attached by ClinVar (database versions not stated): gnomAD exomes 0.00001 and 0.00003; gnomAD 0.00002; TOPMed 0.00002.
gnomAD v4.1: 43 of 1,611,596 alleles (0.0027%); highest among the groups gnomAD compares: Non-Finnish European, 0.0035%; no homozygotes.

Submissions (3):

Labcorp Genetics (formerly Invitae), Labcorp
Classification: Likely benign for Multiple endocrine neoplasia, type 1. Last evaluated: 2026-01-11. Review status: criteria provided, single submitter. Criteria: Invitae Variant Classification Sherloc (09022015). Collection method: clinical testing. Allele origin: germline.

Myriad Genetics, Inc.
Classification: Likely benign for Multiple endocrine neoplasia, type 1. Last evaluated: 2023-04-17. Review status: criteria provided, single submitter. Criteria: Myriad Autosomal Dominant, Autosomal Recessive and X-Linked Classification Criteria (2023). Collection method: clinical testing. Allele origin: unknown.
Comment: This variant is considered likely benign. This variant is intronic and is not expected to impact mRNA splicing.

Counsyl
Classification: Likely benign for Multiple endocrine neoplasia, type 1. Last evaluated: 2017-05-03. Review status: no assertion criteria provided. Collection method: clinical testing. Allele origin: unknown. Not counted in ClinVar's aggregate classification.

NM_001370259.2(MEN1):c.784-16C>T

Gene: MEN1 (menin 1; minus strand). Cytogenetic location: 11q13.1.
Variant type: single nucleotide variant.
Coding change: c.784-16C>T on transcript NM_001370259.2 (MANE Select); 16 bases into the intron before coding-DNA position 784, C replaced by T.
Molecular consequence: intron variant.
Genome position (GRCh38, 1-based): chr11:64,807,235, G>A on the plus strand (C>T on the coding strand, the complement: MEN1 is on the minus strand). VCF-style: chr11-64807235-G-A. GRCh37 (hg19) VCF-style: chr11-64574707-G-A.
Other names: c.799-16C>T (NM_130800.3, NM_130802.3, NM_130804.3 and 3 more transcripts); c.679-16C>T (NM_001370262.2, NM_001370263.2); c.784-16C>T (NM_001370261.2, NM_130799.3, NM_001370260.2 and 1 more transcripts).
Identifiers: ClinVar variation 548742 (VCV000548742.10), dbSNP rs754257177, ClinGen allele CA223915037.